The following is an entry in ClinVar:

NM_003002.4(SDHD):c.190C>T (p.Leu64Phe)

Gene: SDHD (succinate dehydrogenase complex subunit D; plus strand). Cytogenetic location: 11q23.1.
Variant type: single nucleotide variant.
Coding change: c.190C>T on transcript NM_003002.4 (MANE Select); coding-DNA position 190, C replaced by T.
Protein change: p.Leu64Phe; replaces leucine 64 with phenylalanine.
Molecular consequence: missense variant. On other transcripts: non-coding transcript variant (1), intron variant (1).
Genome position (GRCh38, 1-based): chr11:112,088,887, C>T. VCF-style: chr11-112088887-C-T. GRCh37 (hg19) VCF-style: chr11-111959611-C-T.
Other names: c.73C>T, p.Leu25Phe (NM_001276504.2); c.190C>T, p.Leu64Phe (NM_001276506.2); c.169+914C>T (NM_001276503.2); short protein forms L25F, L64F.
Identifiers: ClinVar variation 3223038 (VCV003223038.1), dbSNP rs1199609768, ClinGen allele CA382617190.

ClinVar aggregate classification (germline): Uncertain significance (1 of 4 stars; one submission).

Conditions:
Hereditary cancer-predisposing syndrome. Also called: Tumor predisposition; Hereditary neoplastic syndrome; Hereditary Cancer Syndrome; Neoplastic Syndromes, Hereditary. Identifiers: Orphanet 140162, MedGen C0027672, MeSH D009386, MONDO:0015356.

Allele frequency attached by ClinVar (database versions not stated): gnomAD exomes below 0.00001.

Submission:

Ambry Genetics
Classification: Uncertain significance for Hereditary cancer-predisposing syndrome. Last evaluated: 2024-01-11. Review status: criteria provided, single submitter. Criteria: Ambry Variant Classification Scheme 2023. Collection method: clinical testing. Allele origin: germline.
Comment: The p.L64F variant (also known as c.190C>T), located in coding exon 3 of the SDHD gene, results from a C to T substitution at nucleotide position 190. The leucine at codon 64 is replaced by phenylalanine, an amino acid with highly similar properties. This amino acid position is conserved. In addition, this alteration is predicted to be deleterious by in silico analysis. Since supporting evidence is limited at this time, the clinical significance of this alteration remains unclear.